The following is an entry in ClinVar:

ClinVar aggregate classification (germline): Uncertain significance. Review status: criteria provided, multiple submitters, no conflicts (2 of 4 stars). 3 submissions from 3 submitters: Uncertain significance (3). Last evaluated 2025-02-04.

Allele frequency attached by ClinVar (database versions not stated): gnomAD exomes below 0.00001; ExAC 0.00002; TOPMed 0.00002; gnomAD 0.00003; 1000 Genomes Project 30x 0.00016; 1000 Genomes Project 0.00020.
gnomAD v4.1: 9 of 1,613,230 alleles (0.00056%); highest among the groups gnomAD compares: African/African-American, 0.0067%; no homozygotes.

Submissions (3):

GeneDx
Classification: Uncertain significance. Last evaluated: 2025-02-04. Review status: criteria provided, single submitter. Criteria: GeneDx Variant Classification Process June 2021. Collection method: clinical testing. Allele origin: germline. Affected: yes.
Comment: Not observed at significant frequency in large population cohorts (gnomAD); In silico analysis indicates that this missense variant does not alter protein structure/function; Has not been previously published as pathogenic or benign to our knowledge; Variants in candidate genes are classified as variants of uncertain significance in accordance with ACMG guidelines (PMID: 25741868); This variant is associated with the following publications: (PMID: 27248010, 19151156)

Quest Diagnostics Nichols Institute San Juan Capistrano
Classification: Uncertain significance. Last evaluated: 2024-08-20. Review status: criteria provided, single submitter. Criteria: Quest Diagnostics criteria. Collection method: clinical testing. Allele origin: unknown.
Comment: The RECQL c.1303G>A (p.Val435Met) variant has not been reported in individuals with RECQL-related conditions in the published literature. The frequency of this variant in the general population, 0.0000071 (2/282400 chromosomes (Genome Aggregation Database)), is uninformative in the assessment of its pathogenicity. Analysis of this variant using bioinformatics tools for the prediction of the effect of amino acid changes on protein structure and function yielded conflicting predictions that this variant is benign or damaging. Based on the available information, we are unable to determine the clinical significance of this variant.

Ambry Genetics
Classification: Uncertain significance. Last evaluated: 2023-08-05. Review status: criteria provided, single submitter. Criteria: Ambry Variant Classification Scheme 2023. Collection method: clinical testing. Allele origin: germline.
Comment: The p.V435M variant (also known as c.1303G>A), located in coding exon 10 of the RECQL gene, results from a G to A substitution at nucleotide position 1303. The valine at codon 435 is replaced by methionine, an amino acid with highly similar properties. This amino acid position is conserved. In addition, the in silico prediction for this alteration is inconclusive. Since supporting evidence is limited at this time, the clinical significance of this alteration remains unclear.

NM_002907.4(RECQL):c.1303G>A (p.Val435Met)

Gene: RECQL (RecQ like helicase; minus strand). Cytogenetic location: 12p12.1.
Variant type: single nucleotide variant.
Coding change: c.1303G>A on transcript NM_002907.4 (MANE Select); coding-DNA position 1303, G replaced by A.
Protein change: p.Val435Met; replaces valine 435 with methionine.
Molecular consequence: missense variant.
Genome position (GRCh38, 1-based): chr12:21,474,893, C>T on the plus strand (G>A on the coding strand, the complement: RECQL is on the minus strand). VCF-style: chr12-21474893-C-T. GRCh37 (hg19) VCF-style: chr12-21627827-C-T.
Other names: c.1303G>A, p.Val435Met (NM_032941.3); short protein forms V435M.
Identifiers: ClinVar variation 1769463 (VCV001769463.6), dbSNP rs546158772, ClinGen allele CA6478799.
Genomic context (GRCh38, chr12:21,474,893, plus strand): 5'-TGGCTTACTTGCTTATGTTTTGACAGTATGATACCATCTCATAAAGCTTCTGCTGTCCCA[C>T]ATTTTCCATCACCACCATTGAACTTATTCTGAATATATCTCCAAAGCCGTAGTACAAAAT-3'
Protein context (NP_002898.2, residues 425-445): RISSMVVMEN[Val435Met]GQQKLYEMVS